The following is an entry in ClinVar:

ClinVar aggregate classification (germline): Likely benign. Review status: criteria provided, multiple submitters, no conflicts (2 of 4 stars). 5 submissions from 5 submitters: Likely benign (5). Last evaluated 2025-12-03.

Conditions:
Hereditary cancer-predisposing syndrome. Also called: Tumor predisposition; Hereditary neoplastic syndrome; Neoplastic Syndromes, Hereditary; Hereditary Cancer Syndrome. Identifiers: Orphanet 140162, MedGen C0027672, MeSH D009386, MONDO:0015356.
Bloom syndrome (BLM). Also called: Bloom-Torre-Machacek syndrome. Identifiers: Orphanet 125, MedGen C0005859, MONDO:0008876, OMIM 210900.

Allele frequency attached by ClinVar (database versions not stated): gnomAD 0.00001; gnomAD exomes 0.00002 and 0.00003; TOPMed 0.00002; ExAC 0.00005.
gnomAD v4.1: 28 of 1,614,062 alleles (0.0017%); highest among the groups gnomAD compares: Non-Finnish European, 0.0022%; no homozygotes.

Submissions (5):

Labcorp Genetics (formerly Invitae), Labcorp
Classification: Likely benign for Bloom syndrome. Last evaluated: 2025-12-03. Review status: criteria provided, single submitter. Criteria: Invitae Variant Classification Sherloc (09022015). Collection method: clinical testing. Allele origin: germline.

CeGaT Center for Human Genetics Tuebingen
Classification: Likely benign. Last evaluated: 2025-12-01. Review status: criteria provided, single submitter. Criteria: CeGaT Center For Human Genetics Tuebingen Variant Classification Criteria Version 2. Collection method: clinical testing. Allele origin: germline. Affected: yes. Observed: 1 variant allele.
Comment: BLM: BP4, BP7

Blueprint Genetics
Classification: Likely benign. Last evaluated: 2023-09-09. Review status: criteria provided, single submitter. Criteria: ACMG Guidelines, 2015. Collection method: clinical testing. Allele origin: germline.

Sema4
Classification: Likely benign for Hereditary cancer-predisposing syndrome. Last evaluated: 2021-11-15. Review status: criteria provided, single submitter. Criteria: Sema4 Curation Guidelines. Collection method: curation. Allele origin: germline.

Ambry Genetics
Classification: Likely benign for Hereditary cancer-predisposing syndrome. Last evaluated: 2018-03-28. Review status: criteria provided, single submitter. Criteria: Ambry Variant Classification Scheme 2023. Collection method: clinical testing. Allele origin: germline.

NM_000057.4(BLM):c.3492T>C (p.Asn1164=)

Gene: BLM (BLM RecQ like helicase; plus strand). Cytogenetic location: 15q26.1.
Variant type: single nucleotide variant.
Coding change: c.3492T>C on transcript NM_000057.4 (MANE Select); coding-DNA position 3492, T replaced by C.
Protein change: p.Asn1164=; no amino-acid change (asparagine 1164 retained).
Molecular consequence: synonymous variant. On other transcripts: intron variant (1).
Genome position (GRCh38, 1-based): chr15:90,803,654, T>C. VCF-style: chr15-90803654-T-C. GRCh37 (hg19) VCF-style: chr15-91346884-T-C.
Other names: c.3492T>C, p.Asn1164= (NM_001287246.2); c.2367T>C, p.Asn789= (NM_001287248.2); c.3358+5317T>C (NM_001287247.2).
Identifiers: ClinVar variation 823838 (VCV000823838.20), dbSNP rs762058424, ClinGen allele CA7739040.